The following is an entry in ClinVar:

NM_014946.4(SPAST):c.1526C>T (p.Pro509Leu)

Gene: SPAST (spastin; plus strand). Cytogenetic location: 2p22.3.
Variant type: single nucleotide variant.
Coding change: c.1526C>T on transcript NM_014946.4 (MANE Select); coding-DNA position 1526, C replaced by T.
Protein change: p.Pro509Leu; replaces proline 509 with leucine.
Molecular consequence: missense variant.
Genome position (GRCh38, 1-based): chr2:32,141,936, C>T. VCF-style: chr2-32141936-C-T. GRCh37 (hg19) VCF-style: chr2-32367005-C-T.
Other names: c.1523C>T, p.Pro508Leu (NM_001363823.2); c.1427C>T, p.Pro476Leu (NM_001363875.2); c.1430C>T, p.Pro477Leu (NM_001377959.1, NM_199436.2); short protein forms P509L, P477L, P476L, P508L.
Identifiers: ClinVar variation 586661 (VCV000586661.15), dbSNP rs1443578852, ClinGen allele CA346502956.

ClinVar aggregate classification (germline): Conflicting classifications of pathogenicity. Review status: criteria provided, conflicting classifications (1 of 4 stars). 4 submissions from 4 submitters: Likely pathogenic (1); Uncertain significance (3). Last evaluated 2025-11-01.

Conditions:
Hereditary spastic paraplegia 4. Also called: Spastic paraplegia 4, autosomal dominant; Spastic Paraplegia 4; Familial spastic paraplegia autosomal dominant 2. Identifiers: Orphanet 100985, MedGen C1866855, MONDO:0008438, OMIM 182601.

gnomAD v4.1: 1 of 1,611,654 alleles (0.000062%); no homozygotes.

Submissions (4):

CeGaT Center for Human Genetics Tuebingen
Classification: Likely pathogenic. Last evaluated: 2025-11-01. Review status: criteria provided, single submitter. Criteria: CeGaT Center For Human Genetics Tuebingen Variant Classification Criteria Version 2. Collection method: clinical testing. Allele origin: germline. Affected: yes. Observed: 1 variant allele.
Comment: SPAST: PM1, PM2, PP2, PP3

Labcorp Genetics (formerly Invitae), Labcorp
Classification: Uncertain significance for Hereditary spastic paraplegia 4. Last evaluated: 2021-09-15. Review status: criteria provided, single submitter. Criteria: Invitae Variant Classification Sherloc (09022015). Collection method: clinical testing. Allele origin: germline.
Comment: In summary, the available evidence is currently insufficient to determine the role of this variant in disease. Therefore, it has been classified as a Variant of Uncertain Significance. Advanced modeling of protein sequence and biophysical properties (such as structural, functional, and spatial information, amino acid conservation, physicochemical variation, residue mobility, and thermodynamic stability) performed at Invitae indicates that this missense variant is expected to disrupt SPAST protein function. ClinVar contains an entry for this variant (Variation ID: 586661). This variant has not been reported in the literature in individuals affected with SPAST-related conditions. This variant is not present in population databases (ExAC no frequency). This sequence change replaces proline with leucine at codon 509 of the SPAST protein (p.Pro509Leu). The proline residue is highly conserved and there is a moderate physicochemical difference between proline and leucine.

Institute of Human Genetics, University of Goettingen
Classification: Uncertain significance for Hereditary spastic paraplegia 4. Last evaluated: 2019-06-05. Review status: criteria provided, single submitter. Criteria: ACMG Guidelines, 2015. Collection method: clinical testing. Allele origin: unknown. Inheritance: Autosomal dominant inheritance. Affected: yes. Observed: 1 heterozygote.
Comment: For the following reasons we consider the variant as a variant of uncertain significance with possibly pathogenic character: 1. a comparison with the ExAC and gnomAD browsers did not provide any evidence that this sequence change is a norm variant that can also be detected in non-infected individuals; 2. the mutation type is known to be pathogenic in the disease of question (Spastic paraplegia); 3. the variant is uniformly classified as probably damaging/disease causing by four independent prediction programs (M-CAP; MutationTaster; PolyPhen-2; SIFT)

Athena Diagnostics
Classification: Uncertain significance. Last evaluated: 2018-02-13. Review status: criteria provided, single submitter. Criteria: Athena Diagnostics Criteria. Collection method: clinical testing. Allele origin: germline.